The following is an entry in ClinVar:

ClinVar aggregate classification (germline): Uncertain significance. Review status: criteria provided, multiple submitters, no conflicts (2 of 4 stars). 2 submissions from 2 submitters: Uncertain significance (2). Last evaluated 2022-04-19.

Conditions:
Atrial septal defect 5 (ASD5). Identifiers: Orphanet 1478, MedGen C2748552, MONDO:0013011, OMIM 612794.
Dilated cardiomyopathy 1R (CMD1R). Identifiers: Orphanet 154, Orphanet 54260, MedGen C3150681, MONDO:0013261, OMIM 613424.
Hypertrophic cardiomyopathy 11. Also called: ACTC1-Related Familial Hypertrophic Cardiomyopathy. Identifiers: MedGen C2677506, MONDO:0012799, OMIM 612098.

Submissions (2):

Labcorp Genetics (formerly Invitae), Labcorp
Classification: Uncertain significance for Dilated cardiomyopathy 1R; Hypertrophic cardiomyopathy 11; Atrial septal defect 5. Last evaluated: 2022-04-19. Review status: criteria provided, single submitter. Criteria: Invitae Variant Classification Sherloc (09022015). Collection method: clinical testing. Allele origin: germline.
Comment: In summary, the available evidence is currently insufficient to determine the role of this variant in disease. Therefore, it has been classified as a Variant of Uncertain Significance. Algorithms developed to predict the effect of missense changes on protein structure and function (SIFT, PolyPhen-2, Align-GVGD) all suggest that this variant is likely to be disruptive. ClinVar contains an entry for this variant (Variation ID: 180760). This variant has not been reported in the literature in individuals affected with ACTC1-related conditions. This variant is not present in population databases (gnomAD no frequency). This sequence change replaces lysine, which is basic and polar, with asparagine, which is neutral and polar, at codon 193 of the ACTC1 protein (p.Lys193Asn).

GeneDx
Classification: Uncertain significance. Last evaluated: 2018-03-19. Review status: criteria provided, single submitter. Criteria: GeneDx Variant Classification (06012015). Collection method: clinical testing. Allele origin: germline. Affected: yes.
Comment: A variant of uncertain significance has been identified in the ACTC1 gene. The K193N variant has not been published as pathogenic or been reported as benign to our knowledge. This variant is not observed in large population cohorts (Lek et al., 2016). The K193N variant is a semi-conservative amino acid substitution, which may impact secondary protein structure as these residues differ in some properties. Finally, in-silico analyses, including protein predictors and evolutionary conservation, support a deleterious effect.

NM_005159.5(ACTC1):c.579G>T (p.Lys193Asn)

Genes: ACTC1 (actin alpha cardiac muscle 1; minus strand), GJD2-DT (GJD2 divergent transcript; plus strand). Cytogenetic location: 15q14.
Variant type: single nucleotide variant.
Coding change: c.579G>T on transcript NM_005159.5 (MANE Select); coding-DNA position 579, G replaced by T.
Protein change: p.Lys193Asn; replaces lysine 193 with asparagine.
Molecular consequence: missense variant.
Genome position (GRCh38, 1-based): chr15:34,792,445, C>A on the plus strand (G>T on the coding strand, the complement: ACTC1 is on the minus strand). VCF-style: chr15-34792445-C-A. GRCh37 (hg19) VCF-style: chr15-35084646-C-A.
Other names: p.K193N:AAG>AAT; c.579G>T (LRG_388t1); short protein forms K193N.
Identifiers: ClinVar variation 180760 (VCV000180760.6), dbSNP rs730880395, ClinGen allele CA019837.